The following is an entry in ClinVar:

ClinVar aggregate classification (germline): Conflicting classifications of pathogenicity. Review status: criteria provided, conflicting classifications (1 of 4 stars). 7 submissions from 7 submitters: Uncertain significance (3); Likely benign (4). Last evaluated 2026-09-01.

Conditions:
Pontoneocerebellar hypoplasia. Also called: Non-syndromic pontocerebellar hypoplasia; Pontocerebellar hypoplasia. Identifiers: Orphanet 98523, MedGen C1261175, MONDO:0020135.

Allele frequency attached by ClinVar (database versions not stated): ESP Exome Variant Server 0.00054; gnomAD exomes 0.00059 and 0.00098; gnomAD 0.00066; TOPMed 0.00073; ExAC 0.00079.
gnomAD v4.1: 1,056 of 1,603,158 alleles (0.066%); highest among the groups gnomAD compares: Middle Eastern, 0.79%; 7 homozygotes.

Submissions (7):

CeGaT Center for Human Genetics Tuebingen
Classification: Likely benign. Last evaluated: 2026-09-01. Review status: criteria provided, single submitter. Criteria: CeGaT Center For Human Genetics Tuebingen Variant Classification Criteria Version 2. Collection method: clinical testing. Allele origin: germline. Affected: yes. Observed: 4 variant alleles.
Comment: TSEN2: BP4, BP7

Labcorp Genetics (formerly Invitae), Labcorp
Classification: Likely benign. Last evaluated: 2026-01-28. Review status: criteria provided, single submitter. Criteria: Invitae Variant Classification Sherloc (09022015). Collection method: clinical testing. Allele origin: germline.

GeneDx
Classification: Uncertain significance. Last evaluated: 2025-03-20. Review status: criteria provided, single submitter. Criteria: GeneDx Variant Classification Process June 2021. Collection method: clinical testing. Allele origin: germline. Affected: yes.
Comment: Has not been previously published as pathogenic or benign to our knowledge; In silico analysis is inconclusive as to whether the variant alters gene splicing. In the absence of RNA/functional studies, the actual effect of this sequence change is unknown.

Blueprint Genetics
Classification: Likely benign. Last evaluated: 2024-11-22. Review status: criteria provided, single submitter. Criteria: ACMG Guidelines, 2015. Collection method: clinical testing. Allele origin: germline.

Illumina Laboratory Services, Illumina
Classification: Uncertain significance for Pontoneocerebellar hypoplasia. Last evaluated: 2018-01-13. Review status: criteria provided, single submitter. Criteria: ICSL Variant Classification Criteria 13 December 2019. Collection method: clinical testing. Allele origin: germline.

Genetic Services Laboratory, University of Chicago
Classification: Likely benign. Last evaluated: 2017-03-16. Review status: criteria provided, single submitter. Criteria: ACMG Guidelines, 2015. Collection method: clinical testing. Allele origin: germline. Affected: no.

Eurofins Ntd Llc (ga)
Classification: Uncertain significance. Last evaluated: 2015-12-23. Review status: criteria provided, single submitter. Criteria: EGL Classification Definitions 2015. Collection method: clinical testing. Allele origin: germline. Observed: 1 variant allele, 1 heterozygote.

NM_025265.4(TSEN2):c.1332A>G (p.Lys444=)

Gene: TSEN2 (tRNA splicing endonuclease subunit 2; plus strand). Cytogenetic location: 3p25.2.
Variant type: single nucleotide variant.
Coding change: c.1332A>G on transcript NM_025265.4 (MANE Select); coding-DNA position 1332, A replaced by G.
Protein change: p.Lys444=; no amino-acid change (lysine 444 retained).
Molecular consequence: synonymous variant. On other transcripts: non-coding transcript variant (1).
Genome position (GRCh38, 1-based): chr3:12,531,653, A>G. VCF-style: chr3-12531653-A-G. GRCh37 (hg19) VCF-style: chr3-12573152-A-G.
Other names: c.1332A>G, p.Lys444= (NM_001145392.2, NM_001321277.2, NM_001321278.2); c.1254A>G, p.Lys418= (NM_001145393.3, NM_001321279.2); c.1155A>G, p.Lys385= (NM_001145394.2).
Identifiers: ClinVar variation 160106 (VCV000160106.49), dbSNP rs113981920, ClinGen allele CA272726.
Genomic context (GRCh38, chr3:12,531,653, plus strand): 5'-TAAACCCTCTACTATGACTGACAAGGAAATGGAGTCACCAGAATGTATGAAAAGGATTAA[A>G]GTTCAGGTGGGTAAACTCAGAGAAATTCATGTCATCCCAAAGATTCTGTGAATCATAGTG-3'
Protein context (NP_079541.1, residues 434-454): MESPECMKRI[Lys444=]VQEVILSRWV